The following is an entry in ClinVar:

ClinVar aggregate classification (germline): Uncertain significance (1 of 4 stars; one submission).

Submission:

GeneDx
Classification: Uncertain significance. Last evaluated: 2024-04-29. Review status: criteria provided, single submitter. Criteria: GeneDx Variant Classification Process June 2021. Collection method: clinical testing. Allele origin: germline. Affected: yes.
Comment: Not observed at significant frequency in large population cohorts (gnomAD); In silico analysis indicates that this missense variant does not alter protein structure/function; Has not been previously published as pathogenic or benign to our knowledge

NM_013450.4(BAZ2B):c.802C>A (p.Leu268Ile)

Gene: BAZ2B (bromodomain adjacent to zinc finger domain 2B; minus strand). Cytogenetic location: 2q24.2.
Variant type: single nucleotide variant.
Coding change: c.802C>A on transcript NM_013450.4 (MANE Select); coding-DNA position 802, C replaced by A.
Protein change: p.Leu268Ile; replaces leucine 268 with isoleucine.
Molecular consequence: missense variant.
Genome position (GRCh38, 1-based): chr2:159,439,107, G>T on the plus strand (C>A on the coding strand, the complement: BAZ2B is on the minus strand). VCF-style: chr2-159439107-G-T. GRCh37 (hg19) VCF-style: chr2-160295618-G-T.
Other names: c.796C>A, p.Leu266Ile (NM_001289975.1); c.613C>A, p.Leu205Ile (NM_001329857.2); c.802C>A, p.Leu268Ile (NM_001329858.2); short protein forms L205I, L266I, L268I.
Identifiers: ClinVar variation 3373177 (VCV003373177.1).